The following is an entry in ClinVar:

NM_002230.4(JUP):c.286G>A (p.Glu96Lys)

Gene: JUP (junction plakoglobin; minus strand). Cytogenetic location: 17q21.2.
Variant type: single nucleotide variant.
Coding change: c.286G>A on transcript NM_002230.4 (MANE Select); coding-DNA position 286, G replaced by A.
Protein change: p.Glu96Lys; replaces glutamic acid 96 with lysine.
Molecular consequence: missense variant.
Genome position (GRCh38, 1-based): chr17:41,769,600, C>T on the plus strand (G>A on the coding strand, the complement: JUP is on the minus strand). VCF-style: chr17-41769600-C-T. GRCh37 (hg19) VCF-style: chr17-39925852-C-T.
Other names: p.E96K:GAG>AAG; c.286G>A, p.Glu96Lys (NM_001352773.2, NM_001352774.2, NM_001352775.2 and 3 more transcripts); short protein forms E96K.
Identifiers: ClinVar variation 201809 (VCV000201809.13), dbSNP rs191683892, ClinGen allele CA308451.

ClinVar aggregate classification (germline): Uncertain significance. Review status: criteria provided, multiple submitters, no conflicts (2 of 4 stars). 5 submissions from 5 submitters: Uncertain significance (5). Last evaluated 2026-04-30.

Conditions:
Cardiovascular phenotype. Identifiers: MedGen CN230736.
Naxos disease (NXD). Also called: KERATOSIS PALMOPLANTARIS WITH ARRHYTHMOGENIC CARDIOMYOPATHY; MAL DE NAXOS; PALMOPLANTAR KERATODERMA WITH ARRHYTHMOGENIC RIGHT VENTRICULAR CARDIOMYOPATHY AND WOOLLY HAIR; CARDIOMYOPATHY, ARRHYTHMOGENIC RIGHT VENTRICULAR, WITH SKIN, HAIR, AND NAIL ABNORMALITIES; WOOLLY HAIR, PALMOPLANTAR KERATODERMA, AND CARDIAC ABNORMALITIES. Identifiers: Orphanet 34217, MedGen C1832600, MONDO:0011017, OMIM 601214.
Arrhythmogenic right ventricular dysplasia 12. Also called: ARRHYTHMOGENIC RIGHT VENTRICULAR DYSPLASIA, FAMILIAL, 12. Identifiers: MedGen C1969081, MONDO:0012684, OMIM 611528.
Cardiomyopathy (CMYO). Also called: Cardiomyopathies. Identifiers: Orphanet 167848, MedGen C0878544, MONDO:0004994, HP:0001638. Inheritance: Various modes of inheritance.

Allele frequency attached by ClinVar (database versions not stated): gnomAD exomes 0.00002 and 0.00001; TOPMed 0.00003; 1000 Genomes Project 0.00020; gnomAD 0.00002 and 0.00003; 1000 Genomes Project 30x 0.00031; ExAC 0.00003.
gnomAD v4.1: 16 of 1,605,290 alleles (0.001%); highest among the groups gnomAD compares: African/African-American, 0.004%; no homozygotes.

Submissions (5):

Ambry Genetics
Classification: Uncertain significance for Cardiovascular phenotype. Last evaluated: 2026-04-30. Review status: criteria provided, single submitter. Criteria: Ambry Variant Classification Scheme 2023. Collection method: clinical testing. Allele origin: germline.
Comment: The p.E96K variant (also known as c.286G>A), located in coding exon 2 of the JUP gene, results from a G to A substitution at nucleotide position 286. The glutamic acid at codon 96 is replaced by lysine, an amino acid with similar properties. This variant was reported in individual(s) with features consistent with ventricular fibrillation (Blom LJ et al. Europace, 2019 Oct;21:1519-1526). This amino acid position is well conserved in available vertebrate species. In addition, the in silico prediction for this alteration is inconclusive. Based on the available evidence, the clinical significance of this variant remains unclear.

Labcorp Genetics (formerly Invitae), Labcorp
Classification: Uncertain significance for Arrhythmogenic right ventricular dysplasia 12; Naxos disease. Last evaluated: 2025-11-12. Review status: criteria provided, single submitter. Criteria: Invitae Variant Classification Sherloc (09022015). Collection method: clinical testing. Allele origin: germline.
Comment: This sequence change replaces glutamic acid, which is acidic and polar, with lysine, which is basic and polar, at codon 96 of the JUP protein (p.Glu96Lys). This variant is present in population databases (rs191683892, gnomAD 0.01%). This variant has not been reported in the literature in individuals affected with JUP-related conditions. ClinVar contains an entry for this variant (Variation ID: 201809). An algorithm developed to predict the effect of missense changes on protein structure and function (PolyPhen-2) suggests that this variant is likely to be tolerated. In summary, the available evidence is currently insufficient to determine the role of this variant in disease. Therefore, it has been classified as a Variant of Uncertain Significance.

CHEO Genetics Diagnostic Laboratory, Children's Hospital of Eastern Ontario
Classification: Uncertain significance for Cardiomyopathy. Last evaluated: 2019-11-20. Review status: criteria provided, single submitter. Criteria: ACMG Guidelines, 2015. Collection method: clinical testing. Allele origin: germline.

Women's Health and Genetics/Laboratory Corporation of America, LabCorp
Classification: Uncertain significance. Last evaluated: 2019-04-29. Review status: criteria provided, single submitter. Criteria: LabCorp Variant Classification Summary - May 2015. Collection method: clinical testing. Allele origin: germline.
Comment: Variant summary: JUP c.286G>A (p.Glu96Lys) results in a conservative amino acid change in the encoded protein sequence. Three of five in-silico tools predict a damaging effect of the variant on protein function. The variant allele was found at a frequency of 2.3e-05 in 262198 control chromosomes (gnomAD). The available data on variant occurrences in the general population are insufficient to allow any conclusion about variant significance. To our knowledge, no occurrence of c.286G>A in individuals affected with Arrhythmia and no experimental evidence demonstrating its impact on protein function have been reported. No clinical diagnostic laboratories have submitted clinical-significance assessments for this variant to ClinVar after 2014. Based on the evidence outlined above, the variant was classified as uncertain significance.

GeneDx
Classification: Uncertain significance. Last evaluated: 2014-02-06. Review status: criteria provided, single submitter. Criteria: GeneDx Variant Classification (06012015). Collection method: clinical testing. Allele origin: germline. Affected: yes.
Comment: p.Glu96Lys (GAG>AAG): c.286 G>A in exon 3 of the JUP gene (NM_002230.2)The E96K variant in the JUP gene has not been reported as a disease-causing mutation or as a benign polymorphism to our knowledge. The E96K variant is a non-conservative amino acid substitution as these residues differ in polarity, charge, size and/or other properties and is more likely to impact secondary structure. The E96 residue is mostly conserved across species. In silico analysis was inconsistent with regard to the effect this variant may have on the protein structure/function. The E96K variant was not observed in approximately 6,500 individuals of European and African American ancestry in the NHLBI Exome Sequencing Project, indicating it is not a common benign variant in these populations. However, the E96K variant was identified with a frequency of 0.8%, 1/118 alleles, in a sub-population of individuals of Mexican ancestry per the 1000 Genomes Project database. The variant is found in ARVC panel(s).

Literature cited by the submitters: PubMed 31114860 (cited by Ambry Genetics).